The following is an entry in ClinVar:

NM_003098.3(SNTA1):c.1471C>T (p.His491Tyr)

Gene: SNTA1 (syntrophin alpha 1; minus strand). Cytogenetic location: 20q11.21.
Variant type: single nucleotide variant.
Coding change: c.1471C>T on transcript NM_003098.3 (MANE Select); coding-DNA position 1471, C replaced by T.
Protein change: p.His491Tyr; replaces histidine 491 with tyrosine.
Molecular consequence: missense variant.
Genome position (GRCh38, 1-based): chr20:33,408,554, G>A on the plus strand (C>T on the coding strand, the complement: SNTA1 is on the minus strand). VCF-style: chr20-33408554-G-A. GRCh37 (hg19) VCF-style: chr20-31996360-G-A.
Other names: short protein forms H491Y.
Identifiers: ClinVar variation 1773365 (VCV001773365.8), dbSNP rs751981336, ClinGen allele CA9816936.

ClinVar aggregate classification (germline): Uncertain significance. Review status: criteria provided, multiple submitters, no conflicts (2 of 4 stars). 2 submissions from 2 submitters: Uncertain significance (2). Last evaluated 2024-08-12.

Conditions:
Cardiovascular phenotype. Identifiers: MedGen CN230736.
Long QT syndrome (LQTS). Identifiers: MedGen C0023976, MeSH D008133, MONDO:0002442. Disease mechanism: loss of function. Inheritance: Various modes of inheritance.

Allele frequency attached by ClinVar (database versions not stated): ExAC 0.00002; gnomAD exomes 0.00001.
gnomAD v4.1: 12 of 1,614,166 alleles (0.00074%); highest among the groups gnomAD compares: Non-Finnish European, 0.001%; no homozygotes.

Submissions (2):

Ambry Genetics
Classification: Uncertain significance for Cardiovascular phenotype. Last evaluated: 2024-08-12. Review status: criteria provided, single submitter. Criteria: Ambry Variant Classification Scheme 2023. Collection method: clinical testing. Allele origin: germline.
Comment: The p.H491Y variant (also known as c.1471C>T), located in coding exon 8 of the SNTA1 gene, results from a C to T substitution at nucleotide position 1471. The histidine at codon 491 is replaced by tyrosine, an amino acid with similar properties. This amino acid position is highly conserved in available vertebrate species. In addition, this alteration is predicted to be deleterious by in silico analysis. The evidence for this gene-disease relationship is limited; therefore, the clinical significance of this alteration is unclear.

Labcorp Genetics (formerly Invitae), Labcorp
Classification: Uncertain significance for Long QT syndrome. Last evaluated: 2022-04-04. Review status: criteria provided, single submitter. Criteria: Invitae Variant Classification Sherloc (09022015). Collection method: clinical testing. Allele origin: germline.
Comment: This sequence change replaces histidine, which is basic and polar, with tyrosine, which is neutral and polar, at codon 491 of the SNTA1 protein (p.His491Tyr). This variant is present in population databases (rs751981336, gnomAD 0.004%). This variant has not been reported in the literature in individuals affected with SNTA1-related conditions. Algorithms developed to predict the effect of missense changes on protein structure and function are either unavailable or do not agree on the potential impact of this missense change (SIFT: "Deleterious"; PolyPhen-2: "Probably Damaging"; Align-GVGD: "Class C0"). In summary, the available evidence is currently insufficient to determine the role of this variant in disease. Therefore, it has been classified as a Variant of Uncertain Significance.